The following is an entry in ClinVar:

ClinVar aggregate classification (germline): Uncertain significance (1 of 4 stars; one submission).

Submission:

Labcorp Genetics (formerly Invitae), Labcorp
Classification: Uncertain significance. Last evaluated: 2022-09-06. Review status: criteria provided, single submitter. Criteria: Invitae Variant Classification Sherloc (09022015). Collection method: clinical testing. Allele origin: germline.
Comment: This sequence change replaces glycine, which is neutral and non-polar, with serine, which is neutral and polar, at codon 47 of the GTPBP3 protein (p.Gly47Ser). This variant is not present in population databases (gnomAD no frequency). This variant has not been reported in the literature in individuals affected with GTPBP3-related conditions. ClinVar contains an entry for this variant (Variation ID: 1442866). Algorithms developed to predict the effect of missense changes on protein structure and function are either unavailable or do not agree on the potential impact of this missense change (SIFT: "Tolerated"; PolyPhen-2: "Probably Damaging"; Align-GVGD: "Class C0"). In summary, the available evidence is currently insufficient to determine the role of this variant in disease. Therefore, it has been classified as a Variant of Uncertain Significance.

NM_032620.4(GTPBP3):c.139G>A (p.Gly47Ser)

Gene: GTPBP3 (GTP binding protein 3, mitochondrial; plus strand). Cytogenetic location: 19p13.11.
Variant type: single nucleotide variant.
Coding change: c.139G>A on transcript NM_032620.4 (MANE Select); coding-DNA position 139, G replaced by A.
Protein change: p.Gly47Ser; replaces glycine 47 with serine.
Molecular consequence: missense variant.
Genome position (GRCh38, 1-based): chr19:17,338,093, G>A. VCF-style: chr19-17338093-G-A. GRCh37 (hg19) VCF-style: chr19-17448902-G-A.
Other names: c.139G>A, p.Gly47Ser (NM_001128855.3, NM_133644.4); c.205G>A, p.Gly69Ser (NM_001195422.1); short protein forms G47S, G69S.
Identifiers: ClinVar variation 1442866 (VCV001442866.3), dbSNP rs2145699880, ClinGen allele CA404731691.